The following is an entry in ClinVar:

NM_000260.4(MYO7A):c.4231A>G (p.Asn1411Asp)

Gene: MYO7A (myosin VIIA; plus strand). Cytogenetic location: 11q13.5.
Variant type: single nucleotide variant.
Coding change: c.4231A>G on transcript NM_000260.4 (MANE Select); coding-DNA position 4231, A replaced by G.
Protein change: p.Asn1411Asp; replaces asparagine 1411 with aspartic acid.
Molecular consequence: missense variant.
Genome position (GRCh38, 1-based): chr11:77,194,432, A>G. VCF-style: chr11-77194432-A-G. GRCh37 (hg19) VCF-style: chr11-76905477-A-G.
Other names: c.4231A>G, p.Asn1411Asp (NM_001127180.2); c.4198A>G, p.Asn1400Asp (NM_001369365.1); short protein forms N1400D, N1411D.
Identifiers: ClinVar variation 4692033 (VCV004692033.1).

ClinVar aggregate classification (germline): Uncertain significance (1 of 4 stars; one submission).

Submission:

Labcorp Genetics (formerly Invitae), Labcorp
Classification: Uncertain significance. Last evaluated: 2025-08-23. Review status: criteria provided, single submitter. Criteria: Invitae Variant Classification Sherloc (09022015). Collection method: clinical testing. Allele origin: germline.
Comment: This sequence change replaces asparagine, which is neutral and polar, with aspartic acid, which is acidic and polar, at codon 1411 of the MYO7A protein (p.Asn1411Asp). This variant is present in population databases (no rsID available, gnomAD 0.003%). This variant has not been reported in the literature in individuals affected with MYO7A-related conditions. Invitae Evidence Modeling of protein sequence and biophysical properties (such as structural, functional, and spatial information, amino acid conservation, physicochemical variation, residue mobility, and thermodynamic stability) indicates that this missense variant is not expected to disrupt MYO7A protein function with a negative predictive value of 95%. In summary, the available evidence is currently insufficient to determine the role of this variant in disease. Therefore, it has been classified as a Variant of Uncertain Significance.